The following is an entry in ClinVar:

ClinVar aggregate classification (germline): Uncertain significance (1 of 4 stars; one submission).

Conditions:
RASopathy. Also called: Noonan spectrum disorder; rasopathies. Identifiers: Orphanet 536391, MedGen C5555857, MONDO:0021060.

Allele frequency attached by ClinVar (database versions not stated): gnomAD exomes below 0.00001.
gnomAD v4.1: 2 of 1,614,154 alleles (0.00012%); highest among the groups gnomAD compares: Non-Finnish European, 0.000085%; no homozygotes.

Submission:

Labcorp Genetics (formerly Invitae), Labcorp
Classification: Uncertain significance for RASopathy. Last evaluated: 2023-04-26. Review status: criteria provided, single submitter. Criteria: Invitae Variant Classification Sherloc (09022015). Collection method: clinical testing. Allele origin: germline.
Comment: This variant is not present in population databases (gnomAD no frequency). This sequence change replaces proline, which is neutral and non-polar, with arginine, which is basic and polar, at codon 297 of the RAF1 protein (p.Pro297Arg). This variant has not been reported in the literature in individuals affected with RAF1-related conditions. In summary, the available evidence is currently insufficient to determine the role of this variant in disease. Therefore, it has been classified as a Variant of Uncertain Significance. Advanced modeling of protein sequence and biophysical properties (such as structural, functional, and spatial information, amino acid conservation, physicochemical variation, residue mobility, and thermodynamic stability) has been performed at Invitae for this missense variant, however the output from this modeling did not meet the statistical confidence thresholds required to predict the impact of this variant on RAF1 protein function.

NM_002880.4(RAF1):c.890C>G (p.Pro297Arg)

Gene: RAF1 (Raf-1 proto-oncogene, serine/threonine kinase; minus strand). Cytogenetic location: 3p25.2.
Variant type: single nucleotide variant.
Coding change: c.890C>G on transcript NM_002880.4 (MANE Select); coding-DNA position 890, C replaced by G.
Protein change: p.Pro297Arg; replaces proline 297 with arginine.
Molecular consequence: missense variant. On other transcripts: non-coding transcript variant (3).
Genome position (GRCh38, 1-based): chr3:12,600,252, G>C on the plus strand (C>G on the coding strand, the complement: RAF1 is on the minus strand). VCF-style: chr3-12600252-G-C. GRCh37 (hg19) VCF-style: chr3-12641751-G-C.
Other names: c.950C>G, p.Pro317Arg (NM_001354689.3); c.890C>G, p.Pro297Arg (NM_001354690.3); c.647C>G, p.Pro216Arg (NM_001354691.3, NM_001354692.3); c.791C>G, p.Pro264Arg (NM_001354693.3); c.707C>G, p.Pro236Arg (NM_001354694.3); c.548C>G, p.Pro183Arg (NM_001354695.3); short protein forms P264R, P297R, P317R, P236R, P183R, P216R.
Identifiers: ClinVar variation 2714381 (VCV002714381.3), dbSNP rs2125380799, ClinGen allele CA351509403.
Genomic context (GRCh38, chr3:12,600,252, plus strand): 5'-TCTCTTTGTGCTGGCACGGGGGTTTTCGGCTGTGACCAGCCTGTTGGGCTCAGATTGTTG[G>C]GGCTACTGGACAGGGCTGAAGGTGAGGCTTAATAGACAAGACAAACAGAAGCCACACAAG-3'
Protein context (NP_002871.1, residues 287-307): SASPSALSSS[Pro297Arg]NNLSPTGWSQ